The following is an entry in ClinVar:

ClinVar aggregate classification (germline): Pathogenic. Review status: criteria provided, single submitter (1 of 4 stars). 2 submissions from 2 submitters: Pathogenic (1). 1 of the submissions does not count toward it. Last evaluated 2021-08-19.

Conditions:
Fanconi anemia complementation group G. Also called: FANCG-Related Fanconi Anemia; Fanconi anemia group G. Identifiers: Orphanet 84, MedGen C3469527, MONDO:0013565, OMIM 614082.
Fanconi anemia (FA). Also called: Fanconi's anemia. Identifiers: Orphanet 84, MedGen C0015625, MeSH D005199, MONDO:0019391.

Submissions (2):

Labcorp Genetics (formerly Invitae), Labcorp
Classification: Pathogenic for Fanconi anemia. Last evaluated: 2021-08-19. Review status: criteria provided, single submitter. Criteria: Invitae Variant Classification Sherloc (09022015). Collection method: clinical testing. Allele origin: germline.
Comment: This variant is not present in population databases (ExAC no frequency). This sequence change creates a premature translational stop signal (p.Asp295Glyfs*14) in the FANCG gene. It is expected to result in an absent or disrupted protein product. Loss-of-function variants in FANCG are known to be pathogenic (PMID: 12552564). For these reasons, this variant has been classified as Pathogenic. ClinVar contains an entry for this variant (Variation ID: 929688). This premature translational stop signal has been observed in individual(s) with Fanconi anemia (PMID: 28024295).

Leiden Open Variation Database
Classification: Pathogenic for Fanconi anemia complementation group G. Last evaluated: 2020-02-28. Review status: no assertion criteria provided. Collection method: curation. Allele origin: germline. Affected: yes. Not counted in ClinVar's aggregate classification.
Comment: Curator: Arleen D. Auerbach. Submitter to LOVD: Daniela Pilonetto.

Literature cited by the submitters: PubMed 12552564 (cited by Labcorp Genetics (formerly Invitae), Labcorp); PubMed 28024295 (cited by Labcorp Genetics (formerly Invitae), Labcorp).

NM_004629.2(FANCG):c.883dup (p.Asp295fs)

Gene: FANCG (FA complementation group G; minus strand). Cytogenetic location: 9p13.3.
Variant type: Duplication.
Coding change: c.883dup on transcript NM_004629.2 (MANE Select); coding-DNA position 883, one base duplicated (G; older notation c.883dupG).
Protein change: p.Asp295fs; shifts the reading frame from aspartic acid 295.
Molecular consequence: frameshift variant.
Genome position (GRCh38, 1-based): chr9:35,076,765, C duplicated on the plus strand (G on the coding strand, the reverse complement: FANCG is on the minus strand); the first of 5 consecutive C bases (chr9:35,076,765-35,076,769); duplicating any one gives the same sequence. VCF-style (leftmost placement, unchanged base first): chr9-35076764-T-TC. GRCh37 (hg19) VCF-style: chr9-35076761-T-TC.
Other names: short protein forms D295fs.
Identifiers: ClinVar variation 929688 (VCV000929688.6), dbSNP rs1829092483, ClinGen allele CA1139660971.
Genomic context (GRCh38, chr9:35,076,764, plus strand): 5'-TTCACCTGGCAGTTCCCTACCTCAACTAGCAGCTCCAGACTCTCCAGCTCTGCTGTTGTG[T>TC]CCCCCAGTTGCTGATAGAGCCTAGAGGCCTCCAGAAGTGGAGGACCCCAGGCTGATCCCT-3'